The following is an entry in ClinVar:

NM_002519.3(NPAT):c.3434A>G (p.Gln1145Arg)

Gene: NPAT (nuclear protein, coactivator of histone transcription; minus strand). Cytogenetic location: 11q22.3.
Variant type: single nucleotide variant.
Coding change: c.3434A>G on transcript NM_002519.3 (MANE Select); coding-DNA position 3434, A replaced by G.
Protein change: p.Gln1145Arg; replaces glutamine 1145 with arginine.
Molecular consequence: missense variant.
Genome position (GRCh38, 1-based): chr11:108,161,652, T>C on the plus strand (A>G on the coding strand, the complement: NPAT is on the minus strand). VCF-style: chr11-108161652-T-C. GRCh37 (hg19) VCF-style: chr11-108032379-T-C.
Other names: c.3455A>G, p.Gln1152Arg (NM_001321307.1); short protein forms Q1145R, Q1152R.
Identifiers: ClinVar variation 2624975 (VCV002624975.2), dbSNP rs777924478, ClinGen allele CA228373958.

ClinVar aggregate classification (germline): Uncertain significance (1 of 4 stars; one submission).

Allele frequency attached by ClinVar (database versions not stated): gnomAD exomes 0.00001.
gnomAD v4.1: 18 of 1,614,078 alleles (0.0011%); highest among the groups gnomAD compares: Non-Finnish European, 0.0015%; no homozygotes.

Submission:

Ambry Genetics
Classification: Uncertain significance. Last evaluated: 2023-09-01. Review status: criteria provided, single submitter. Criteria: Ambry Variant Classification Scheme 2023. Collection method: clinical testing. Allele origin: germline.
Comment: The p.Q1145R variant (also known as c.3434A>G), located in coding exon 17 of the NPAT gene, results from an A to G substitution at nucleotide position 3434. The glutamine at codon 1145 is replaced by arginine, an amino acid with highly similar properties. This amino acid position is conserved. In addition, this alteration is predicted to be tolerated by in silico analysis. Since supporting evidence is limited at this time, the clinical significance of this alteration remains unclear.